The following is an entry in ClinVar:

ClinVar aggregate classification (germline): Uncertain significance (1 of 4 stars; one submission).

Conditions:
Hereditary cancer-predisposing syndrome. Also called: Neoplastic Syndromes, Hereditary; Tumor predisposition; Hereditary neoplastic syndrome; Hereditary Cancer Syndrome. Identifiers: Orphanet 140162, MedGen C0027672, MeSH D009386, MONDO:0015356.

gnomAD v4.1: 1 of 1,614,202 alleles (0.000062%); highest among the groups gnomAD compares: Non-Finnish European, 0.000085%; no homozygotes.

Submission:

Ambry Genetics
Classification: Uncertain significance for Hereditary cancer-predisposing syndrome. Last evaluated: 2026-07-07. Review status: criteria provided, single submitter. Criteria: Ambry Variant Classification Scheme 2023. Collection method: clinical testing. Allele origin: germline.
Comment: The p.A155T variant (also known as c.463G>A), located in coding exon 4 of the SDHAF2 gene, results from a G to A substitution at nucleotide position 463. The alanine at codon 155 is replaced by threonine, an amino acid with similar properties. This amino acid position is conserved. In addition, this alteration is predicted to be tolerated by in silico analysis. Based on the available evidence, the clinical significance of this variant remains unclear.

NM_017841.4(SDHAF2):c.463G>A (p.Ala155Thr)

Gene: SDHAF2 (succinate dehydrogenase complex assembly factor 2; plus strand). Cytogenetic location: 11q12.2.
Variant type: single nucleotide variant.
Coding change: c.463G>A on transcript NM_017841.4 (MANE Select); coding-DNA position 463, G replaced by A.
Protein change: p.Ala155Thr; replaces alanine 155 with threonine.
Molecular consequence: missense variant.
Genome position (GRCh38, 1-based): chr11:61,446,033, G>A. VCF-style: chr11-61446033-G-A. GRCh37 (hg19) VCF-style: chr11-61213505-G-A.
Other names: short protein forms A155T.
Identifiers: ClinVar variation 5029236 (VCV005029236.1).
Genomic context (GRCh38, chr11:61,446,033, plus strand): 5'-GAAGTCATGGCCCTGCTGAGAGACTTTGCTAAAAACAAAAACAAAGAGCAGAGACTGCGT[G>A]CCCCAGATCTTGAGTACCTCTTTGAAAAGCCACGTTGAGCTGTGCTCCACGGCCTGGCAT-3'
Protein context (NP_060311.1, residues 145-165): KNKNKEQRLR[Ala155Thr]PDLEYLFEKP